The following is an entry in ClinVar:

NM_030957.4(ADAMTS10):c.281G>A (p.Ser94Asn)

Gene: ADAMTS10 (ADAM metallopeptidase with thrombospondin type 1 motif 10; minus strand). Cytogenetic location: 19p13.2.
Variant type: single nucleotide variant.
Coding change: c.281G>A on transcript NM_030957.4 (MANE Select); coding-DNA position 281, G replaced by A.
Protein change: p.Ser94Asn; replaces serine 94 with asparagine.
Molecular consequence: missense variant.
Genome position (GRCh38, 1-based): chr19:8,605,166, C>T on the plus strand (G>A on the coding strand, the complement: ADAMTS10 is on the minus strand). VCF-style: chr19-8605166-C-T. GRCh37 (hg19) VCF-style: chr19-8670051-C-T.
Other names: short protein forms S94N.
Identifiers: ClinVar variation 1925629 (VCV001925629.5), dbSNP rs2512653845, ClinGen allele CA403757580.
Genomic context (GRCh38, chr19:8,605,166, plus strand): 5'-CAGGCCAGGCCCTCCCGTGTCCAGTACTCCACGGAGACGTGCCCTGCCAGTAGACGGGAG[C>T]TGCGGGTCAGGTTCAGCAGGAAGTGGGTGCTGGGCGAGGCCACTTTGTAGAAGAGGCGGG-3'
Protein context (NP_112219.3, residues 84-104): STHFLLNLTR[Ser94Asn]SRLLAGHVSV

ClinVar aggregate classification (germline): Uncertain significance (1 of 4 stars; one submission).

Submission:

Labcorp Genetics (formerly Invitae), Labcorp
Classification: Uncertain significance. Last evaluated: 2022-07-25. Review status: criteria provided, single submitter. Criteria: Invitae Variant Classification Sherloc (09022015). Collection method: clinical testing. Allele origin: germline.
Comment: This sequence change replaces serine, which is neutral and polar, with asparagine, which is neutral and polar, at codon 94 of the ADAMTS10 protein (p.Ser94Asn). This variant is not present in population databases (gnomAD no frequency). This variant has not been reported in the literature in individuals affected with ADAMTS10-related conditions. Algorithms developed to predict the effect of missense changes on protein structure and function output the following: SIFT: "Tolerated"; PolyPhen-2: "Benign"; Align-GVGD: "Class C0". The asparagine amino acid residue is found in multiple mammalian species, which suggests that this missense change does not adversely affect protein function. In summary, the available evidence is currently insufficient to determine the role of this variant in disease. Therefore, it has been classified as a Variant of Uncertain Significance.